The following is an entry in ClinVar:

ClinVar aggregate classification (germline): Uncertain significance. Review status: criteria provided, multiple submitters, no conflicts (2 of 4 stars). 2 submissions from 2 submitters: Uncertain significance (2). Last evaluated 2025-03-27.

Conditions:
Hereditary cancer-predisposing syndrome. Also called: Tumor predisposition; Hereditary neoplastic syndrome; Hereditary Cancer Syndrome; Neoplastic Syndromes, Hereditary. Identifiers: Orphanet 140162, MedGen C0027672, MeSH D009386, MONDO:0015356.
Familial adenomatous polyposis 1 (FAP1). Also called: FAMILIAL ADENOMATOUS POLYPOSIS 1, ATTENUATED; POLYPOSIS, ADENOMATOUS INTESTINAL. Identifiers: MedGen C2713442, MONDO:0021056, OMIM 175100. Disease mechanism: loss of function.

Allele frequency attached by ClinVar (database versions not stated): gnomAD exomes below 0.00001; ExAC 0.00001.
gnomAD v4.1: 2 of 1,614,070 alleles (0.00012%); highest among the groups gnomAD compares: South Asian, 0.0011%; no homozygotes.

Submissions (2):

Ambry Genetics
Classification: Uncertain significance for Hereditary cancer-predisposing syndrome. Last evaluated: 2025-03-27. Review status: criteria provided, single submitter. Criteria: Ambry Variant Classification Scheme 2023. Collection method: clinical testing. Allele origin: germline.
Comment: The p.P1527L variant (also known as c.4580C>T), located in coding exon 15 of the APC gene, results from a C to T substitution at nucleotide position 4580. The proline at codon 1527 is replaced by leucine, an amino acid with similar properties. This amino acid position is highly conserved in available vertebrate species. In addition, in silico predictors for this gene do not accurately predict pathogenicity. Missense alterations in APC are not a common cause of disease (Spier I et al. Genet Med. 2024 Feb;26(2):100992). Based on the available evidence, the clinical significance of this variant remains unclear.

Labcorp Genetics (formerly Invitae), Labcorp
Classification: Uncertain significance for Familial adenomatous polyposis 1. Last evaluated: 2024-03-16. Review status: criteria provided, single submitter. Criteria: Invitae Variant Classification Sherloc (09022015). Collection method: clinical testing. Allele origin: germline.
Comment: This sequence change replaces proline, which is neutral and non-polar, with leucine, which is neutral and non-polar, at codon 1527 of the APC protein (p.Pro1527Leu). This variant is not present in population databases (gnomAD no frequency). This variant has not been reported in the literature in individuals affected with APC-related conditions. ClinVar contains an entry for this variant (Variation ID: 1463845). Advanced modeling of protein sequence and biophysical properties (such as structural, functional, and spatial information, amino acid conservation, physicochemical variation, residue mobility, and thermodynamic stability) performed at Invitae indicates that this missense variant is not expected to disrupt APC protein function with a negative predictive value of 95%. In summary, the available evidence is currently insufficient to determine the role of this variant in disease. Therefore, it has been classified as a Variant of Uncertain Significance.

NM_000038.6(APC):c.4580C>T (p.Pro1527Leu)

Gene: APC (APC regulator of Wnt signaling pathway; plus strand). Cytogenetic location: 5q22.2.
Variant type: single nucleotide variant.
Coding change: c.4580C>T on transcript NM_000038.6 (MANE Select); coding-DNA position 4580, C replaced by T.
Protein change: p.Pro1527Leu; replaces proline 1527 with leucine.
Molecular consequence: missense variant.
Genome position (GRCh38, 1-based): chr5:112,840,174, C>T. VCF-style: chr5-112840174-C-T. GRCh37 (hg19) VCF-style: chr5-112175871-C-T.
Other names: c.4580C>T, p.Pro1527Leu (NM_001127510.3, NM_001354895.2); c.4526C>T, p.Pro1509Leu (NM_001127511.3); c.4634C>T, p.Pro1545Leu (NM_001354896.2); c.4610C>T, p.Pro1537Leu (NM_001354897.2); c.4505C>T, p.Pro1502Leu (NM_001354898.2); c.4496C>T, p.Pro1499Leu (NM_001354899.2); c.4457C>T, p.Pro1486Leu (NM_001354900.2); c.4403C>T, p.Pro1468Leu (NM_001354901.2); and 5 more; short protein forms P1244L, P1401L, P1502L, P1527L, P1426L, P1486L, P1499L, P1537L.
Identifiers: ClinVar variation 1463845 (VCV001463845.11), dbSNP rs747209080, ClinGen allele CA039410.